The following is an entry in ClinVar:

ClinVar aggregate classification (germline): Uncertain significance. Review status: criteria provided, multiple submitters, no conflicts (2 of 4 stars). 2 submissions from 2 submitters: Uncertain significance (2). Last evaluated 2023-12-29.

Conditions:
Autosomal recessive limb-girdle muscular dystrophy type 2L (LGMDR12). Also called: Limb-girdle muscular dystrophy, type 2L; Limb-Girdle Muscular Dystrophy R12 Anoctamin-5-Related (LGMD-R12); MUSCULAR DYSTROPHY, LIMB-GIRDLE, AUTOSOMAL RECESSIVE 12. Identifiers: Orphanet 206549, MedGen C1969785, MONDO:0012652, OMIM 611307.
Gnathodiaphyseal dysplasia (GDD). Also called: GNATHODIAPHYSEAL SCLEROSIS; OSTEOGENESIS IMPERFECTA WITH UNUSUAL SKELETAL LESIONS. Identifiers: Orphanet 53697, MedGen C1833736, MONDO:0008151, OMIM 166260.

Submissions (2):

Labcorp Genetics (formerly Invitae), Labcorp
Classification: Uncertain significance for Autosomal recessive limb-girdle muscular dystrophy type 2L; Gnathodiaphyseal dysplasia. Last evaluated: 2023-12-29. Review status: criteria provided, single submitter. Criteria: Invitae Variant Classification Sherloc (09022015). Collection method: clinical testing. Allele origin: germline.
Comment: This sequence change replaces aspartic acid, which is acidic and polar, with histidine, which is basic and polar, at codon 75 of the ANO5 protein (p.Asp75His). This variant is not present in population databases (gnomAD no frequency). This variant has not been reported in the literature in individuals affected with ANO5-related conditions. ClinVar contains an entry for this variant (Variation ID: 289474). Advanced modeling of protein sequence and biophysical properties (such as structural, functional, and spatial information, amino acid conservation, physicochemical variation, residue mobility, and thermodynamic stability) performed at Invitae indicates that this missense variant is expected to disrupt ANO5 protein function with a positive predictive value of 95%. In summary, the available evidence is currently insufficient to determine the role of this variant in disease. Therefore, it has been classified as a Variant of Uncertain Significance.

Eurofins Ntd Llc (ga)
Classification: Uncertain significance. Last evaluated: 2016-10-25. Review status: criteria provided, single submitter. Criteria: EGL Classification Definitions 2015. Collection method: clinical testing. Allele origin: germline. Observed: 2 variant alleles, 2 heterozygotes.

NM_213599.3(ANO5):c.223G>C (p.Asp75His)

Gene: ANO5 (anoctamin 5; plus strand). Cytogenetic location: 11p14.3.
Variant type: single nucleotide variant.
Coding change: c.223G>C on transcript NM_213599.3 (MANE Select); coding-DNA position 223, G replaced by C.
Protein change: p.Asp75His; replaces aspartic acid 75 with histidine.
Molecular consequence: missense variant.
Genome position (GRCh38, 1-based): chr11:22,221,139, G>C. VCF-style: chr11-22221139-G-C. GRCh37 (hg19) VCF-style: chr11-22242685-G-C.
Other names: c.220G>C, p.Asp74His (NM_001142649.2); short protein forms D75H, D74H.
Identifiers: ClinVar variation 289474 (VCV000289474.8), dbSNP rs886044184, ClinGen allele CA10606453.